The following is an entry in ClinVar:

NM_015443.4(KANSL1):c.55C>T (p.Arg19Trp)

Gene: KANSL1 (KAT8 regulatory NSL complex subunit 1). Cytogenetic location: 17q21.31.
Variant type: single nucleotide variant.
Coding change: c.55C>T on transcript NM_015443.4 (MANE Select); coding-DNA position 55, C replaced by T.
Protein change: p.Arg19Trp; replaces arginine 19 with tryptophan.
Molecular consequence: missense variant.
Genome position (GRCh38, 1-based): chr17:46,172,089, G>A on the plus strand (C>T on the coding strand, the complement: KANSL1 is on the minus strand). VCF-style: chr17-46172089-G-A. GRCh37 (hg19) VCF-style: chr17-44249455-G-A.
Other names: c.55C>T, p.Arg19Trp (NM_001193465.2, NM_001193466.2, NM_001379198.1); short protein forms R19W.
Identifiers: ClinVar variation 851995 (VCV000851995.7), dbSNP rs2046318820, ClinGen allele CA399983073.

ClinVar aggregate classification (germline): Uncertain significance (1 of 4 stars; one submission).

Conditions:
Koolen-de Vries syndrome (KDVS). Identifiers: Orphanet 96169, MedGen C1864871, MONDO:0012496, OMIM 610443.

Allele frequency attached by ClinVar (database versions not stated): gnomAD exomes 0.00001.
gnomAD v4.1: 15 of 1,612,858 alleles (0.00093%); highest among the groups gnomAD compares: Non-Finnish European, 0.0013%; no homozygotes.

Submission:

Labcorp Genetics (formerly Invitae), Labcorp
Classification: Uncertain significance for Koolen-de Vries syndrome. Last evaluated: 2021-09-17. Review status: criteria provided, single submitter. Criteria: Invitae Variant Classification Sherloc (09022015). Collection method: clinical testing. Allele origin: germline.
Comment: Due to the possible presence of a polymorphic segmental duplication, the location of the variant could not be unambiguously resolved. Variants with ambiguous mapping are still reported relative to the KANSL1 transcript. This sequence change replaces arginine with tryptophan at codon 19 of the KANSL1 protein (p.Arg19Trp). The arginine residue is highly conserved and there is a moderate physicochemical difference between arginine and tryptophan. The frequency data for this variant in the population databases (ExAC) is considered unreliable due to the presence of homologous sequence, such as pseudogenes or paralogs, in the genome. This variant has not been reported in the literature in individuals with KANSL1-related conditions. Algorithms developed to predict the effect of missense changes on protein structure and function (SIFT, PolyPhen-2, Align-GVGD) all suggest that this variant is likely to be disruptive. Until the location of this sequence change can be resolved, the clinical significance of this variant remains uncertain. It has been classified as a Variant of Uncertain Significance.